The following is an entry in ClinVar:

NM_000751.3(CHRND):c.929G>A (p.Gly310Asp)

Gene: CHRND (cholinergic receptor nicotinic delta subunit; plus strand). Cytogenetic location: 2q37.1.
Variant type: single nucleotide variant.
Coding change: c.929G>A on transcript NM_000751.3 (MANE Select); coding-DNA position 929, G replaced by A.
Protein change: p.Gly310Asp; replaces glycine 310 with aspartic acid.
Molecular consequence: missense variant.
Genome position (GRCh38, 1-based): chr2:232,531,460, G>A. VCF-style: chr2-232531460-G-A. GRCh37 (hg19) VCF-style: chr2-233396170-G-A.
Other names: c.929G>A (NM_000751.1); c.884G>A, p.Gly295Asp (NM_001256657.2); c.347G>A, p.Gly116Asp (NM_001311195.2); c.626G>A, p.Gly209Asp (NM_001311196.2); short protein forms G295D, G310D, G116D, G209D.
Identifiers: ClinVar variation 1934148 (VCV001934148.6), dbSNP rs2469727376, ClinGen allele CA351002836.

ClinVar aggregate classification (germline): Uncertain significance. Review status: criteria provided, multiple submitters, no conflicts (2 of 4 stars). 2 submissions from 2 submitters: Uncertain significance (2). Last evaluated 2025-06-17.

Conditions:
Inborn genetic diseases. Identifiers: MedGen C0950123, MeSH D030342.
Lethal multiple pterygium syndrome (LMPS). Identifiers: Orphanet 33108, MedGen C1854678, MONDO:0009668, OMIM 253290.

Allele frequency attached by ClinVar (database versions not stated): gnomAD exomes below 0.00001.
gnomAD v4.1: 1 of 1,613,824 alleles (0.000062%); highest among the groups gnomAD compares: Non-Finnish European, 0.000085%; no homozygotes.

Submissions (2):

Ambry Genetics
Classification: Uncertain significance for Inborn genetic diseases. Last evaluated: 2025-06-17. Review status: criteria provided, single submitter. Criteria: Ambry Variant Classification Scheme 2023. Collection method: clinical testing. Allele origin: germline.

Labcorp Genetics (formerly Invitae), Labcorp
Classification: Uncertain significance for Lethal multiple pterygium syndrome. Last evaluated: 2022-02-25. Review status: criteria provided, single submitter. Criteria: Invitae Variant Classification Sherloc (09022015). Collection method: clinical testing. Allele origin: germline.
Comment: Algorithms developed to predict the effect of missense changes on protein structure and function are either unavailable or do not agree on the potential impact of this missense change (SIFT: "Tolerated"; PolyPhen-2: "Possibly Damaging"; Align-GVGD: "Class C0"). In summary, the available evidence is currently insufficient to determine the role of this variant in disease. Therefore, it has been classified as a Variant of Uncertain Significance. Algorithms developed to predict the effect of sequence changes on RNA splicing suggest that this variant may disrupt the consensus splice site. This variant has not been reported in the literature in individuals affected with CHRND-related conditions. This variant is not present in population databases (gnomAD no frequency). This sequence change replaces glycine, which is neutral and non-polar, with aspartic acid, which is acidic and polar, at codon 310 of the CHRND protein (p.Gly310Asp).